The following is an entry in ClinVar:

ClinVar aggregate classification (germline): Uncertain significance. Review status: criteria provided, multiple submitters, no conflicts (2 of 4 stars). 2 submissions from 2 submitters: Uncertain significance (2). Last evaluated 2026-03-24.

gnomAD v4.1: 13 of 1,613,786 alleles (0.00081%); highest among the groups gnomAD compares: African/African-American, 0.008%; no homozygotes.

Submissions (2):

Women's Health and Genetics/Laboratory Corporation of America, LabCorp
Classification: Uncertain significance. Last evaluated: 2026-03-24. Review status: criteria provided, single submitter. Criteria: LabCorp Variant Classification Summary - May 2015. Collection method: clinical testing. Allele origin: germline.
Comment: Variant summary: KCNC3 c.1001C>T (p.Pro334Leu) results in a non-conservative amino acid change in the encoded protein sequence. Algorithms developed to predict the effect of missense changes on protein structure and function are either unavailable or do not agree on the potential impact of this missense change. The variant allele was found at a frequency of 1.2e-05 in 251208 control chromosomes. The available data on variant occurrences in the general population are insufficient to allow any conclusion about variant significance. To our knowledge, no occurrence of c.1001C>T in individuals affected with KCNC3-related conditions and no experimental evidence demonstrating its impact on protein function have been reported. ClinVar contains an entry for this variant (Variation ID: 4739886). Based on the evidence outlined above, the variant was classified as uncertain significance.

Labcorp Genetics (formerly Invitae), Labcorp
Classification: Uncertain significance. Last evaluated: 2025-06-27. Review status: criteria provided, single submitter. Criteria: Invitae Variant Classification Sherloc (09022015). Collection method: clinical testing. Allele origin: germline.
Comment: This sequence change replaces proline, which is neutral and non-polar, with leucine, which is neutral and non-polar, at codon 334 of the KCNC3 protein (p.Pro334Leu). This variant is present in population databases (no rsID available, gnomAD 0.006%). This variant has not been reported in the literature in individuals affected with KCNC3-related conditions. Invitae Evidence Modeling of protein sequence and biophysical properties (such as structural, functional, and spatial information, amino acid conservation, physicochemical variation, residue mobility, and thermodynamic stability) indicates that this missense variant is not expected to disrupt KCNC3 protein function with a negative predictive value of 95%. In summary, the available evidence is currently insufficient to determine the role of this variant in disease. Therefore, it has been classified as a Variant of Uncertain Significance.

NM_004977.3(KCNC3):c.1001C>T (p.Pro334Leu)

Gene: KCNC3 (potassium voltage-gated channel subfamily C member 3; minus strand). Cytogenetic location: 19q13.33.
Variant type: single nucleotide variant.
Coding change: c.1001C>T on transcript NM_004977.3 (MANE Select); coding-DNA position 1001, C replaced by T.
Protein change: p.Pro334Leu; replaces proline 334 with leucine.
Molecular consequence: missense variant.
Genome position (GRCh38, 1-based): chr19:50,323,952, G>A on the plus strand (C>T on the coding strand, the complement: KCNC3 is on the minus strand). VCF-style: chr19-50323952-G-A. GRCh37 (hg19) VCF-style: chr19-50827209-G-A.
Other names: c.773C>T, p.Pro258Leu (NM_001372305.1); short protein forms P258L, P334L.
Identifiers: ClinVar variation 4739886 (VCV004739886.2).